The following is an entry in ClinVar:

ClinVar aggregate classification (germline): Uncertain significance (1 of 4 stars; one submission).

Submission:

Women's Health and Genetics/Laboratory Corporation of America, LabCorp
Classification: Uncertain significance. Last evaluated: 2025-11-19. Review status: criteria provided, single submitter. Criteria: LabCorp Variant Classification Summary - May 2015. Collection method: clinical testing. Allele origin: germline.
Comment: Variant summary: CASR c.1689T>G (p.Phe563Leu) results in a non-conservative amino acid change in the encoded protein sequence. Algorithms developed to predict the effect of missense changes on protein structure and function all suggest that this variant is likely to be disruptive. The variant was absent in 251490 control chromosomes. The available data on variant occurrences in the general population are insufficient to allow any conclusion about variant significance. To our knowledge, no occurrence of c.1689T>G in individuals affected with CASR-related conditions and no experimental evidence demonstrating its impact on protein function have been reported. No submitters have cited clinical-significance assessments for this variant to ClinVar. Based on the evidence outlined above, the variant was classified as uncertain significance.

NM_000388.4(CASR):c.1689T>G (p.Phe563Leu)

Gene: CASR (calcium sensing receptor; plus strand). Cytogenetic location: 3q21.1.
Variant type: single nucleotide variant.
Coding change: c.1689T>G on transcript NM_000388.4 (MANE Select); coding-DNA position 1689, T replaced by G.
Protein change: p.Phe563Leu; replaces phenylalanine 563 with leucine.
Molecular consequence: missense variant.
Genome position (GRCh38, 1-based): chr3:122,282,193, T>G. VCF-style: chr3-122282193-T-G. GRCh37 (hg19) VCF-style: chr3-122001040-T-G.
Other names: c.1719T>G, p.Phe573Leu (NM_001178065.2); short protein forms F563L, F573L.
Identifiers: ClinVar variation 4537302 (VCV004537302.1).
Genomic context (GRCh38, chr3:122,282,193, plus strand): 5'-CCGAGACTGCCTGGCAGGGACCAGGAAAGGGATCATTGAGGGGGAGCCCACCTGCTGCTT[T>G]GAGTGTGTGGAGTGTCCTGATGGGGAGTATAGTGATGAGACAGGTAAGGGAACCCCTCTT-3'
Protein context (NP_000379.3, residues 553-573): GIIEGEPTCC[Phe563Leu]ECVECPDGEY